The following is an entry in ClinVar:

ClinVar aggregate classification (germline): Likely benign (1 of 4 stars; one submission).

Submission:

CeGaT Center for Human Genetics Tuebingen
Classification: Likely benign. Last evaluated: 2026-09-01. Review status: criteria provided, single submitter. Criteria: CeGaT Center For Human Genetics Tuebingen Variant Classification Criteria Version 2. Collection method: clinical testing. Allele origin: germline. Affected: yes. Observed: 1 variant allele.
Comment: FGF14: BS1

NM_175929.3(FGF14):c.208+239897T>A

Gene: FGF14 (fibroblast growth factor 14; minus strand). Cytogenetic location: 13q33.1.
Variant type: single nucleotide variant.
Coding change: c.208+239897T>A on transcript NM_175929.3 (MANE Plus Clinical); 239897 bases into the intron after coding-DNA position 208, T replaced by A.
Molecular consequence: intron variant.
Genome position (GRCh38, 1-based): chr13:102,161,574, A>T on the plus strand (T>A on the coding strand, the complement: FGF14 is on the minus strand). VCF-style: chr13-102161574-A-T. GRCh37 (hg19) VCF-style: chr13-102813924-A-T.
Other names: c.52+239897T>A (NM_001321947.2); c.91+239897T>A (NM_001379342.1, NM_001321948.2, NM_001321945.2); c.-60+204871T>A (NM_001321946.2, NM_001321949.1); c.13+59123T>A (NM_001321938.2, NM_001321940.1, NM_001321933.1); c.208+239897T>A (NM_001321939.2, NM_001321937.2); c.7+132400T>A (NM_001321941.2); c.4+31463T>A (NM_001321944.1, NM_001321936.1, NM_001321932.1); c.-60+44293T>A (NM_001321943.1); and 4 more.
Identifiers: ClinVar variation 5041396 (VCV005041396.1).